The following is an entry in ClinVar:

ClinVar aggregate classification (germline): Uncertain significance (1 of 4 stars; one submission).

Submission:

Women's Health and Genetics/Laboratory Corporation of America, LabCorp
Classification: Uncertain significance. Last evaluated: 2023-12-07. Review status: criteria provided, single submitter. Criteria: LabCorp Variant Classification Summary - May 2015. Collection method: clinical testing. Allele origin: germline.
Comment: Variant summary: MARS1 c.2278A>G (p.Met760Val) results in a conservative amino acid change located in the Methionyl-tRNA synthetase, anticodon-binding domain (IPR041872) of the encoded protein sequence. Three of five in-silico tools predict a benign effect of the variant on protein function. The variant was absent in 251446 control chromosomes (gnomAD). The available data on variant occurrences in the general population are insufficient to allow any conclusion about variant significance. To our knowledge, no occurrence of c.2278A>G in individuals affected with MARS1-Related Disorders and no experimental evidence demonstrating its impact on protein function have been reported. No submitters have cited clinical-significance assessments for this variant to ClinVar after 2014. Based on the evidence outlined above, the variant was classified as uncertain significance.

NM_004990.4(MARS1):c.2278A>G (p.Met760Val)

Gene: MARS1 (methionyl-tRNA synthetase 1; plus strand). Cytogenetic location: 12q13.3.
Variant type: single nucleotide variant.
Coding change: c.2278A>G on transcript NM_004990.4 (MANE Select); coding-DNA position 2278, A replaced by G.
Protein change: p.Met760Val; replaces methionine 760 with valine.
Molecular consequence: missense variant.
Genome position (GRCh38, 1-based): chr12:57,515,223, A>G. VCF-style: chr12-57515223-A-G. GRCh37 (hg19) VCF-style: chr12-57909006-A-G.
Other names: short protein forms M760V.
Identifiers: ClinVar variation 2691506 (VCV002691506.1), dbSNP rs2540319671, ClinGen allele CA385466362.